The following is an entry in ClinVar:

ClinVar aggregate classification (germline): Uncertain significance (1 of 4 stars; one submission).

Submission:

Labcorp Genetics (formerly Invitae), Labcorp
Classification: Uncertain significance. Last evaluated: 2022-12-20. Review status: criteria provided, single submitter. Criteria: Invitae Variant Classification Sherloc (09022015). Collection method: clinical testing. Allele origin: germline.
Comment: In summary, the available evidence is currently insufficient to determine the role of this variant in disease. Therefore, it has been classified as a Variant of Uncertain Significance. Algorithms developed to predict the effect of missense changes on protein structure and function (SIFT, PolyPhen-2, Align-GVGD) all suggest that this variant is likely to be tolerated. This variant has not been reported in the literature in individuals affected with STAG2-related conditions. This variant is not present in population databases (gnomAD no frequency). This sequence change replaces glycine, which is neutral and non-polar, with aspartic acid, which is acidic and polar, at codon 676 of the STAG2 protein (p.Gly676Asp).

NM_001042750.2(STAG2):c.2027G>A (p.Gly676Asp)

Gene: STAG2 (STAG2 cohesin complex component; plus strand). Cytogenetic location: Xq25.
Variant type: single nucleotide variant.
Coding change: c.2027G>A on transcript NM_001042750.2 (MANE Select); coding-DNA position 2027, G replaced by A.
Protein change: p.Gly676Asp; replaces glycine 676 with aspartic acid.
Molecular consequence: missense variant.
Genome position (GRCh38, 1-based): chrX:124,065,877, G>A. VCF-style: chrX-124065877-G-A. GRCh37 (hg19) VCF-style: chrX-123199727-G-A.
Other names: c.2027G>A, p.Gly676Asp (NM_001375367.1, NM_001375368.1, NM_001375370.1 and 13 more transcripts); short protein forms G676D.
Identifiers: ClinVar variation 2822672 (VCV002822672.3), dbSNP rs2521883782, ClinGen allele CA414273181.